The following is an entry in ClinVar:

NM_015141.4(GPD1L):c.411C>A (p.Ile137=)

Gene: GPD1L (glycerol-3-phosphate dehydrogenase 1 like; plus strand). Cytogenetic location: 3p22.3.
Variant type: single nucleotide variant.
Coding change: c.411C>A on transcript NM_015141.4 (MANE Select); coding-DNA position 411, C replaced by A.
Protein change: p.Ile137=; no amino-acid change (isoleucine 137 retained).
Molecular consequence: synonymous variant.
Genome position (GRCh38, 1-based): chr3:32,140,272, C>A. VCF-style: chr3-32140272-C-A. GRCh37 (hg19) VCF-style: chr3-32181764-C-A.
Identifiers: ClinVar variation 1737981 (VCV001737981.6), dbSNP rs1164026987, ClinGen allele CA432931296.

ClinVar aggregate classification (germline): Likely benign. Review status: criteria provided, multiple submitters, no conflicts (2 of 4 stars). 3 submissions from 3 submitters: Likely benign (2). 1 of the submissions does not count toward it. Last evaluated 2024-11-24.

Conditions:
Cardiovascular phenotype. Identifiers: MedGen CN230736.
GPD1L-related disorder. Also called: GPD1L-related condition.
Brugada syndrome. Also called: Sudden unexplained nocturnal death syndrome; Sudden unexpected nocturnal death syndrome; Sudden Unexplained Death Syndrome; Sudden Unexplained Nocturnal Death Syndrome (SUNDS). Identifiers: Orphanet 130, MedGen C1142166, MONDO:0015263.

Allele frequency attached by ClinVar (database versions not stated): gnomAD 0.00001; TOPMed 0.00001.
gnomAD v4.1: 3 of 1,613,960 alleles (0.00019%); highest among the groups gnomAD compares: Admixed American, 0.0017%; no homozygotes.

Submissions (3):

Labcorp Genetics (formerly Invitae), Labcorp
Classification: Likely benign for Brugada syndrome. Last evaluated: 2024-11-24. Review status: criteria provided, single submitter. Criteria: Invitae Variant Classification Sherloc (09022015). Collection method: clinical testing. Allele origin: germline.

Ambry Genetics
Classification: Likely benign for Cardiovascular phenotype. Last evaluated: 2022-05-04. Review status: criteria provided, single submitter. Criteria: Ambry Variant Classification Scheme 2023. Collection method: clinical testing. Allele origin: germline.

PreventionGenetics, part of Exact Sciences
Classification: Likely benign for GPD1L-related condition. Last evaluated: 2019-04-09. Review status: no assertion criteria provided. Collection method: clinical testing. Allele origin: germline. Not counted in ClinVar's aggregate classification.
Comment: This variant is classified as likely benign based on ACMG/AMP sequence variant interpretation guidelines (Richards et al. 2015 PMID: 25741868, with internal and published modifications).